The following is an entry in ClinVar:

ClinVar aggregate classification (germline): Uncertain significance (1 of 4 stars; one submission).

Conditions:
Inborn genetic diseases. Identifiers: MedGen C0950123, MeSH D030342.

Submission:

Ambry Genetics
Classification: Uncertain significance for Inborn genetic diseases. Last evaluated: 2025-02-14. Review status: criteria provided, single submitter. Criteria: Ambry Variant Classification Scheme 2023. Collection method: clinical testing. Allele origin: germline.
Comment: The p.A199G variant (also known as c.596C>G), located in coding exon 1 of the SH2B3 gene, results from a C to G substitution at nucleotide position 596. The alanine at codon 199 is replaced by glycine, an amino acid with similar properties. This amino acid position is conserved. In addition, this alteration is predicted to be tolerated by in silico analysis. Based on the available evidence, the clinical significance of this variant remains unclear.

NM_005475.3(SH2B3):c.596C>G (p.Ala199Gly)

Gene: SH2B3 (SH2B adaptor protein 3; plus strand). Cytogenetic location: 12q24.12.
Variant type: single nucleotide variant.
Coding change: c.596C>G on transcript NM_005475.3 (MANE Select); coding-DNA position 596, C replaced by G.
Protein change: p.Ala199Gly; replaces alanine 199 with glycine.
Molecular consequence: missense variant.
Genome position (GRCh38, 1-based): chr12:111,418,741, C>G. VCF-style: chr12-111418741-C-G. GRCh37 (hg19) VCF-style: chr12-111856545-C-G.
Other names: short protein forms A199G.
Identifiers: ClinVar variation 3795193 (VCV003795193.1).